The following is an entry in ClinVar:

NM_001127222.2(CACNA1A):c.367G>A (p.Asp123Asn)

Gene: CACNA1A (calcium voltage-gated channel subunit alpha1 A; minus strand). Cytogenetic location: 19p13.13.
Variant type: single nucleotide variant.
Coding change: c.367G>A on transcript NM_001127222.2 (MANE Select); coding-DNA position 367, G replaced by A.
Protein change: p.Asp123Asn; replaces aspartic acid 123 with asparagine.
Molecular consequence: missense variant.
Genome position (GRCh38, 1-based): chr19:13,455,139, C>T on the plus strand (G>A on the coding strand, the complement: CACNA1A is on the minus strand). VCF-style: chr19-13455139-C-T. GRCh37 (hg19) VCF-style: chr19-13565953-C-T.
Other names: c.367G>A, p.Asp123Asn (NM_000068.4, NM_001127221.2, NM_001174080.2 and 1 more transcripts); c.367G>A (NM_001127222.1, NM_001127221.1); short protein forms D123N.
Identifiers: ClinVar variation 1391039 (VCV001391039.11), dbSNP rs753467037, ClinGen allele CA9241055.

ClinVar aggregate classification (germline): Conflicting classifications of pathogenicity. Review status: criteria provided, conflicting classifications (1 of 4 stars). 3 submissions from 3 submitters: Uncertain significance (2); Likely benign (1). Last evaluated 2025-12-21.

Conditions:
Developmental and epileptic encephalopathy, 42 (DEE42A). Also called: Epileptic encephalopathy, early infantile, 42; DEVELOPMENTAL AND EPILEPTIC ENCEPHALOPATHY 42A; EPILEPTIC ENCEPHALOPATHY, EARLY INFANTILE, 42A. Identifiers: MedGen C4310716, MONDO:0014917, OMIM 617106.
Episodic ataxia type 2 (EA2). Also called: EPISODIC ATAXIA, NYSTAGMUS-ASSOCIATED; ACETAZOLAMIDE-RESPONSIVE HEREDITARY PAROXYSMAL CEREBELLAR ATAXIA; ATAXIA, EPISODIC, WITH NYSTAGMUS; ATAXIA, FAMILIAL PAROXYSMAL; CEREBELLAR ATAXIA, PAROXYSMAL, ACETAZOLAMIDE-RESPONSIVE; CEREBELLOPATHY, HEREDITARY PAROXYSMAL. Identifiers: Orphanet 97, MedGen C1720416, MONDO:0007163, OMIM 108500.
CACNA1A-related disorder. Also called: CACNA1A-related condition.

Allele frequency attached by ClinVar (database versions not stated): gnomAD exomes below 0.00001 and 0.00001; ExAC 0.00001.

Submissions (3):

Labcorp Genetics (formerly Invitae), Labcorp
Classification: Likely benign for Developmental and epileptic encephalopathy, 42; Episodic ataxia type 2. Last evaluated: 2025-12-21. Review status: criteria provided, single submitter. Criteria: Invitae Variant Classification Sherloc (09022015). Collection method: clinical testing. Allele origin: germline.

GeneDx
Classification: Uncertain significance. Last evaluated: 2025-01-03. Review status: criteria provided, single submitter. Criteria: GeneDx Variant Classification Process June 2021. Collection method: clinical testing. Allele origin: germline. Affected: yes.
Comment: In silico analysis supports that this missense variant has a deleterious effect on protein structure/function; Has not been previously published as pathogenic or benign to our knowledge

PreventionGenetics, part of Exact Sciences
Classification: Uncertain significance for CACNA1A-related condition. Last evaluated: 2023-04-24. Review status: criteria provided, single submitter. Criteria: ACMG Guidelines, 2015. Collection method: clinical testing. Allele origin: germline.
Comment: The CACNA1A c.367G>A variant is predicted to result in the amino acid substitution p.Asp123Asn. To our knowledge, this variant has not been reported in the literature. This variant is reported in 0.0058% of alleles in individuals of Latino descent in gnomAD. At this time, the clinical significance of this variant is uncertain due to the absence of conclusive functional and genetic evidence.